The following is an entry in ClinVar:

ClinVar aggregate classification (germline): Uncertain significance (1 of 4 stars; one submission).

Conditions:
Hereditary cancer-predisposing syndrome. Also called: Hereditary neoplastic syndrome; Hereditary Cancer Syndrome; Neoplastic Syndromes, Hereditary; Tumor predisposition. Identifiers: Orphanet 140162, MedGen C0027672, MeSH D009386, MONDO:0015356.

Submission:

Ambry Genetics
Classification: Uncertain significance for Hereditary cancer-predisposing syndrome. Last evaluated: 2023-06-11. Review status: criteria provided, single submitter. Criteria: Ambry Variant Classification Scheme 2023. Collection method: clinical testing. Allele origin: germline.
Comment: The p.L11V variant (also known as c.31C>G), located in coding exon 1 of the GREM1 gene, results from a C to G substitution at nucleotide position 31. The leucine at codon 11 is replaced by valine, an amino acid with highly similar properties. This amino acid position is conserved. In addition, this alteration is predicted to be tolerated by in silico analysis. Since supporting evidence is limited at this time, the clinical significance of this alteration remains unclear.

NM_013372.7(GREM1):c.31C>G (p.Leu11Val)

Gene: GREM1 (gremlin 1, DAN family BMP antagonist; plus strand). Cytogenetic location: 15q13.3.
Variant type: single nucleotide variant.
Coding change: c.31C>G on transcript NM_013372.7 (MANE Select); coding-DNA position 31, C replaced by G.
Protein change: p.Leu11Val; replaces leucine 11 with valine.
Molecular consequence: missense variant. On other transcripts: intron variant (1).
Genome position (GRCh38, 1-based): chr15:32,730,721, C>G. VCF-style: chr15-32730721-C-G. GRCh37 (hg19) VCF-style: chr15-33022922-C-G.
Other names: c.31C>G, p.Leu11Val (NM_001191323.2, NM_001368719.1); c.27+4C>G (NM_001191322.2); short protein forms L11V.
Identifiers: ClinVar variation 2566722 (VCV002566722.2), dbSNP rs769511007, ClinGen allele CA391557041.
Genomic context (GRCh38, chr15:32,730,721, plus strand): 5'-CTTCCCCTCTCTGTGCTTCCTTTCTTTAGTATGAGCCGCACAGCCTACACGGTGGGAGCC[C>G]TGCTTCTCCTCTTGGGGACCCTGCTGCCGGCTGCTGAAGGGAAAAAGAAAGGGTCCCAAG-3'
Protein context (NP_037504.1, residues 1-21): MSRTAYTVGA[Leu11Val]LLLLGTLLPA